The following is an entry in ClinVar:

ClinVar aggregate classification (germline): Pathogenic (1 of 4 stars; one submission).

Submission:

Labcorp Genetics (formerly Invitae), Labcorp
Classification: Pathogenic. Last evaluated: 2022-11-11. Review status: criteria provided, single submitter. Criteria: Invitae Variant Classification Sherloc (09022015). Collection method: clinical testing. Allele origin: germline.
Comment: This sequence change creates a premature translational stop signal (p.Ser22Phefs*26) in the CSDE1 gene. It is expected to result in an absent or disrupted protein product. Loss-of-function variants in CSDE1 are known to be pathogenic (PMID: 31579823). This variant is not present in population databases (gnomAD no frequency). This variant has not been reported in the literature in individuals affected with CSDE1-related conditions. For these reasons, this variant has been classified as Pathogenic.

Literature cited by the submitters: PubMed 31579823.

NM_001007553.3(CSDE1):c.1-1710del

Gene: CSDE1 (cold shock domain containing E1; minus strand). Cytogenetic location: 1p13.2.
Variant type: Deletion.
Coding change: c.1-1710del on transcript NM_001007553.3 (MANE Select); 1710 bases into the intron before coding-DNA position 1, one base deleted (C; older notation c.1-1710delC).
Molecular consequence: intron variant. On other transcripts: frameshift variant (2).
Genome position (GRCh38, 1-based): chr1:114,741,600, G deleted on the plus strand (C on the coding strand, the reverse complement: CSDE1 is on the minus strand). VCF-style (leftmost placement, unchanged base first): chr1-114741599-AG-A. GRCh37 (hg19) VCF-style: chr1-115284220-AG-A.
Other names: c.65del, p.Ser22fs (NM_001130523.3, NM_001242891.2); c.1-1710del (NM_001242893.2, NM_001242892.2, NM_007158.6); short protein forms S22fs.
Identifiers: ClinVar variation 2150655 (VCV002150655.4), dbSNP rs2524847177, ClinGen allele CA2580060829.